The following is an entry in ClinVar:

ClinVar aggregate classification (germline): Uncertain significance (1 of 4 stars; one submission).

Allele frequency attached by ClinVar (database versions not stated): gnomAD exomes below 0.00001; TOPMed below 0.00001.

Submission:

Ambry Genetics
Classification: Uncertain significance. Last evaluated: 2023-12-01. Review status: criteria provided, single submitter. Criteria: Ambry Variant Classification Scheme 2023. Collection method: clinical testing. Allele origin: germline.
Comment: The p.T306I variant (also known as c.917C>T), located in coding exon 9 of the BUB1 gene, results from a C to T substitution at nucleotide position 917. The threonine at codon 306 is replaced by isoleucine, an amino acid with similar properties. This amino acid position is conserved. In addition, this alteration is predicted to be tolerated by in silico analysis. Since supporting evidence is limited at this time, the clinical significance of this alteration remains unclear.

NM_004336.5(BUB1):c.917C>T (p.Thr306Ile)

Gene: BUB1 (BUB1 mitotic checkpoint serine/threonine kinase; minus strand). Cytogenetic location: 2q13.
Variant type: single nucleotide variant.
Coding change: c.917C>T on transcript NM_004336.5 (MANE Select); coding-DNA position 917, C replaced by T.
Protein change: p.Thr306Ile; replaces threonine 306 with isoleucine.
Molecular consequence: missense variant.
Genome position (GRCh38, 1-based): chr2:110,666,303, G>A on the plus strand (C>T on the coding strand, the complement: BUB1 is on the minus strand). VCF-style: chr2-110666303-G-A. GRCh37 (hg19) VCF-style: chr2-111423880-G-A.
Other names: c.857C>T, p.Thr286Ile (NM_001278616.2); c.917C>T, p.Thr306Ile (NM_001278617.2); short protein forms T286I, T306I.
Identifiers: ClinVar variation 1766065 (VCV001766065.2), dbSNP rs1425562767, ClinGen allele CA348216388.